The following is an entry in ClinVar:

NM_139075.4(TPCN2):c.826G>A (p.Asp276Asn)

Gene: TPCN2 (two pore segment channel 2; plus strand). Cytogenetic location: 11q13.3.
Variant type: single nucleotide variant.
Coding change: c.826G>A on transcript NM_139075.4 (MANE Select); coding-DNA position 826, G replaced by A.
Protein change: p.Asp276Asn; replaces aspartic acid 276 with asparagine.
Molecular consequence: missense variant.
Genome position (GRCh38, 1-based): chr11:69,067,602, G>A. VCF-style: chr11-69067602-G-A. GRCh37 (hg19) VCF-style: chr11-68835070-G-A.
Other names: short protein forms D276N.
Identifiers: ClinVar variation 3353801 (VCV003353801.2).

ClinVar aggregate classification (germline): Uncertain significance. Review status: criteria provided, single submitter (1 of 4 stars). 2 submissions from 2 submitters: Uncertain significance (1). 1 of the submissions does not count toward it. Last evaluated 2025-08-05.

Conditions:
TPCN2-related condition.

gnomAD v4.1: 302 of 1,613,690 alleles (0.019%); highest among the groups gnomAD compares: African/African-American, 0.33%; no homozygotes.

Submissions (2):

Ambry Genetics
Classification: Uncertain significance. Last evaluated: 2025-08-05. Review status: criteria provided, single submitter. Criteria: Ambry Variant Classification Scheme 2023. Collection method: clinical testing. Allele origin: germline.

PreventionGenetics, part of Exact Sciences
Classification: Likely benign for TPCN2-related condition. Last evaluated: 2024-07-30. Review status: no assertion criteria provided. Collection method: clinical testing. Allele origin: germline. Not counted in ClinVar's aggregate classification.
Comment: This variant is classified as likely benign based on ACMG/AMP sequence variant interpretation guidelines (Richards et al. 2015 PMID: 25741868, with internal and published modifications).